The following is an entry in ClinVar:

NM_032776.3(JMJD1C):c.58G>A (p.Gly20Ser)

Genes: JMJD1C-AS1 (JMJD1C antisense RNA 1; plus strand), JMJD1C (jumonji domain containing 1C; minus strand). Cytogenetic location: 10q21.3.
Variant type: single nucleotide variant.
Coding change: c.58G>A on transcript NM_032776.3 (MANE Select); coding-DNA position 58, G replaced by A.
Protein change: p.Gly20Ser; replaces glycine 20 with serine.
Molecular consequence: missense variant. On other transcripts: non-coding transcript variant (1), intron variant (2).
Genome position (GRCh38, 1-based): chr10:63,465,605, C>T on the plus strand (G>A on the coding strand, the complement: JMJD1C is on the minus strand). VCF-style: chr10-63465605-C-T. GRCh37 (hg19) VCF-style: chr10-65225365-C-T.
Other names: c.58G>A, p.Gly20Ser (NM_001322252.2); c.-384+56133G>A (NM_001322258.2); c.-379+56133G>A (NM_001318154.2); c.58G>A (NM_032776.1); short protein forms G20S.
Identifiers: ClinVar variation 569840 (VCV000569840.11), dbSNP rs766414903, ClinGen allele CA5519233.

ClinVar aggregate classification (germline): Conflicting classifications of pathogenicity. Review status: criteria provided, conflicting classifications (1 of 4 stars). 2 submissions from 2 submitters: Uncertain significance (1); Likely benign (1). Last evaluated 2025-09-15.

Conditions:
Early Myoclonic Encephalopathy. Identifiers: MedGen C0270855.

Allele frequency attached by ClinVar (database versions not stated): gnomAD 0.00003 and 0.00004; TOPMed 0.00005.
gnomAD v4.1: 75 of 1,609,740 alleles (0.0047%); highest among the groups gnomAD compares: East Asian, 0.0067%; no homozygotes.

Submissions (2):

Labcorp Genetics (formerly Invitae), Labcorp
Classification: Uncertain significance for Early Myoclonic Encephalopathy. Last evaluated: 2025-09-15. Review status: criteria provided, single submitter. Criteria: Invitae Variant Classification Sherloc (09022015). Collection method: clinical testing. Allele origin: germline.
Comment: This sequence change replaces glycine, which is neutral and non-polar, with serine, which is neutral and polar, at codon 20 of the JMJD1C protein (p.Gly20Ser). This variant is present in population databases (rs766414903, gnomAD 0.008%). This variant has not been reported in the literature in individuals affected with JMJD1C-related conditions. ClinVar contains an entry for this variant (Variation ID: 569840). An algorithm developed to predict the effect of missense changes on protein structure and function outputs the following: PolyPhen-2: "Benign". The serine amino acid residue is found in multiple mammalian species, which suggests that this missense change does not adversely affect protein function. In summary, the available evidence is currently insufficient to determine the role of this variant in disease. Therefore, it has been classified as a Variant of Uncertain Significance.

Ambry Genetics
Classification: Likely benign. Last evaluated: 2022-03-31. Review status: criteria provided, single submitter. Criteria: Ambry Variant Classification Scheme 2023. Collection method: clinical testing. Allele origin: germline.